The following is an entry in ClinVar:

NM_006087.4(TUBB4A):c.-5C>G

Genes: TUBB4A (tubulin beta 4A class IVa; minus strand), LOC130063295 (ATAC-STARR-seq lymphoblastoid silent region 9955; plus strand). Cytogenetic location: 19p13.3.
Variant type: single nucleotide variant.
Coding change: c.-5C>G on transcript NM_006087.4 (MANE Select); 5 bases upstream of the start codon, C replaced by G.
Molecular consequence: 5 prime UTR variant. On other transcripts: missense variant (2).
Genome position (GRCh38, 1-based): chr19:6,502,217, G>C on the plus strand (C>G on the coding strand, the complement: TUBB4A is on the minus strand). VCF-style: chr19-6502217-G-C. GRCh37 (hg19) VCF-style: chr19-6502228-G-C.
Other names: c.149C>G, p.Thr50Ser (NM_001289123.2); c.131C>G, p.Thr44Ser (NM_001289127.2); c.-5C>G (NM_001289129.2); c.-178C>G (NM_001289130.2); c.-145C>G (NM_001289131.2); short protein forms T44S, T50S.
Identifiers: ClinVar variation 3251747 (VCV003251747.1), dbSNP rs1172411704.

ClinVar aggregate classification (germline): Uncertain significance (1 of 4 stars; one submission).

Allele frequency attached by ClinVar (database versions not stated): TOPMed 0.00001.
gnomAD v4.1: 1 of 1,551,272 alleles (0.000064%); highest among the groups gnomAD compares: Admixed American, 0.0018%; no homozygotes.

Submission:

Women's Health and Genetics/Laboratory Corporation of America, LabCorp
Classification: Uncertain significance. Last evaluated: 2024-04-30. Review status: criteria provided, single submitter. Criteria: LabCorp Variant Classification Summary - May 2015. Collection method: clinical testing. Allele origin: germline.
Comment: Variant summary: TUBB4A c.-5C>G is located in the untranslated mRNA region upstream of the initiation codon. The frequency data for this variant in gnomAD is considered unreliable, as metrics indicate poor data quality at this position. To our knowledge, no occurrence of c.-5C>G in individuals affected with Leukodystrophy, Hypomyelinating, 6 and no experimental evidence demonstrating its impact on protein function have been reported. No submitters have cited clinical-significance assessments for this variant to ClinVar. Based on the evidence outlined above, the variant was classified as uncertain significance.